The following is an entry in ClinVar:

ClinVar aggregate classification (germline): Uncertain significance (1 of 4 stars; one submission).

gnomAD v4.1: 1 of 1,600,368 alleles (0.000062%); highest among the groups gnomAD compares: Non-Finnish European, 0.000085%; no homozygotes.

Submission:

Women's Health and Genetics/Laboratory Corporation of America, LabCorp
Classification: Uncertain significance. Last evaluated: 2025-07-14. Review status: criteria provided, single submitter. Criteria: LabCorp Variant Classification Summary - May 2015. Collection method: clinical testing. Allele origin: germline.
Comment: Variant summary: SMARCC2 c.856T>A (p.Ser286Thr) results in a conservative amino acid change in the encoded protein sequence. Algorithms developed to predict the effect of missense changes on protein structure and function all suggest that this variant is likely to be tolerated. The variant was absent in 240616 control chromosomes. The available data on variant occurrences in the general population are insufficient to allow any conclusion about variant significance. To our knowledge, no occurrence of c.856T>A in individuals affected with Coffin-Siris Syndrome 8 and no experimental evidence demonstrating its impact on protein function have been reported. No submitters have cited clinical-significance assessments for this variant to ClinVar. Based on the evidence outlined above, the variant was classified as uncertain significance.

NM_001330288.2(SMARCC2):c.856T>A (p.Ser286Thr)

Gene: SMARCC2 (SWI/SNF related BAF chromatin remodeling complex subunit C2; minus strand). Cytogenetic location: 12q13.2.
Variant type: single nucleotide variant.
Coding change: c.856T>A on transcript NM_001330288.2 (MANE Select); coding-DNA position 856, T replaced by A.
Protein change: p.Ser286Thr; replaces serine 286 with threonine.
Molecular consequence: missense variant.
Genome position (GRCh38, 1-based): chr12:56,181,582, A>T on the plus strand (T>A on the coding strand, the complement: SMARCC2 is on the minus strand). VCF-style: chr12-56181582-A-T. GRCh37 (hg19) VCF-style: chr12-56575366-A-T.
Other names: c.856T>A, p.Ser286Thr (NM_001130420.3, NM_003075.5, NM_139067.4); short protein forms S286T.
Identifiers: ClinVar variation 4525950 (VCV004525950.1).
Genomic context (GRCh38, chr12:56,181,582, plus strand): 5'-AAGGAGAGGGGGAGCGCTTCCTCTTCTTATAGTTTCCCCCCTTCTTGTCCCGTCGATCTG[A>T]ATCTGGGCTGTTCACCTATAGGATGGAGAATCAGGACAAATGTCAGCCTACAATCCCCAC-3'
Protein context (NP_001317217.1, residues 276-296): TLTDEVNSPD[Ser286Thr]DRRDKKGGNY